The following is an entry in ClinVar:

ClinVar aggregate classification (germline): Conflicting classifications of pathogenicity. Review status: criteria provided, conflicting classifications (1 of 4 stars). 14 submissions from 14 submitters: Uncertain significance (13); Likely benign (1). Last evaluated 2025-12-17.

Conditions:
Myopathy, myosin storage, autosomal recessive (CMYO7B). Also called: CONGENITAL MYOPATHY 7B, MYOSIN STORAGE, AUTOSOMAL RECESSIVE. Identifiers: Orphanet 636970, MedGen C1850709, MONDO:0009708, OMIM 255160.
Myosin storage myopathy (CMYO7A). Also called: Scapuloperoneal myopathy, MYH7-related; SCAPULOPERONEAL MUSCULAR DYSTROPHY; SCAPULOPERONEAL SYNDROME, MYOPATHIC TYPE; MYH7-related late-onset scapuloperoneal muscular dystrophy; Congenital myopathy 7A, myosin storage, autosomal dominant; MYOPATHY, HYALINE BODY, AUTOSOMAL DOMINANT. Identifiers: Orphanet 437572, Orphanet 636965, MedGen C1842160, MONDO:0008409, OMIM 608358.
Congenital myopathy with fiber type disproportion. Also called: Congenital fiber-type disproportion myopathy; Congenital fiber-type disproportion. Identifiers: Orphanet 2020, MedGen C0546264, MONDO:0009711. Inheritance: all.
Hypertrophic cardiomyopathy 1 (CMH1). Also called: Familial hypertrophic cardiomyopathy 1; MYH7-Related Familial Hypertrophic Cardiomyopathy. Identifiers: MedGen C3495498, MONDO:0008647, OMIM 192600.
Dilated cardiomyopathy 1S (CMD1S). Identifiers: Orphanet 154, Orphanet 54260, MedGen C1834481, MONDO:0013262, OMIM 613426.
MYH7-related skeletal myopathy. Also called: Myopathy, distal, 1; MYOPATHY, DISTAL, EARLY-ONSET, AUTOSOMAL DOMINANT; MYOPATHY, LATE DISTAL HEREDITARY; Laing distal myopathy; Laing early-onset distal myopathy. Identifiers: Orphanet 59135, MedGen C4552004, MONDO:0008050, OMIM 160500.
MYH7-related disorder. Also called: MYH7-related condition; MYH7-related disease; MYH7-related disorders.
Cardiovascular phenotype. Identifiers: MedGen CN230736.
Cardiomyopathy (CMYO). Also called: Cardiomyopathies. Identifiers: Orphanet 167848, MedGen C0878544, MONDO:0004994, HP:0001638. Inheritance: Various modes of inheritance.
Hypertrophic cardiomyopathy. Also called: HYPERTROPHIC MYOCARDIOPATHY. Identifiers: Orphanet 217569, MedGen C0007194, MeSH D002312, MONDO:0005045, HP:0001639.

Allele frequency attached by ClinVar (database versions not stated): gnomAD 0.00003 and 0.00004; TOPMed 0.00009.
gnomAD v4.1: 63 of 1,614,096 alleles (0.0039%); highest among the groups gnomAD compares: Admixed American, 0.017%; no homozygotes.

Submissions 1 to 7 of 14:

Labcorp Genetics (formerly Invitae), Labcorp
Classification: Uncertain significance for Hypertrophic cardiomyopathy. Last evaluated: 2025-12-17. Review status: criteria provided, single submitter. Criteria: Invitae Variant Classification Sherloc (09022015). Collection method: clinical testing. Allele origin: germline.
Comment: This sequence change replaces aspartic acid, which is acidic and polar, with tyrosine, which is neutral and polar, at codon 1652 of the MYH7 protein (p.Asp1652Tyr). This variant is present in population databases (rs397516233, gnomAD 0.01%). This missense change has been observed in individuals with hypertrophic cardiomyopathy and/or MYH7-related conditions (PMID: 19659763, 21302287, 27247418, 27532257, 28356264, 28790153, 32528171; internal data). ClinVar contains an entry for this variant (Variation ID: 43047). An algorithm developed to predict the effect of missense changes on protein structure and function (PolyPhen-2) suggests that this variant is likely to be disruptive. In summary, the available evidence is currently insufficient to determine the role of this variant in disease. Therefore, it has been classified as a Variant of Uncertain Significance.

Ambry Genetics
Classification: Uncertain significance for Cardiovascular phenotype. Last evaluated: 2025-12-02. Review status: criteria provided, single submitter. Criteria: Ambry Variant Classification Scheme 2023. Collection method: clinical testing. Allele origin: germline.
Comment: The p.D1652Y variant (also known as c.4954G>T) is located in coding exon 33 of the MYH7 gene. The aspartic acid at codon 1652 is replaced by tyrosine, an amino acid with highly dissimilar properties. This change occurs in the first base pair of coding exon 33. This variant was reported in individual(s) with features consistent with hypertrophic cardiomyopathy (Frisso G et al. Clin Genet, 2009 Jul;76:91-101; Roncarati R et al. J Cell Physiol, 2011 Nov;226:2894-900; Homburger JR et al. Proc Natl Acad Sci U S A, 2016 Jun;113:6701-6; G&oacute;mez J et al. Circ Cardiovasc Genet, 2017 Apr;10; Ingles J et al. Circ Cardiovasc Genet, 2017 Apr;10; Walsh R et al. Genet Med, 2017 Feb;19:192-203; Mori AA et al. Forensic Sci Int Genet. 2021 May;52:102478; Ambry internal data). This amino acid position is highly conserved in available vertebrate species. In addition, this alteration is predicted to be deleterious by in silico analysis. Based on the available evidence, the clinical significance of this variant remains unclear.

GeneDx
Classification: Uncertain significance. Last evaluated: 2025-08-19. Review status: criteria provided, single submitter. Criteria: GeneDx Variant Classification Process June 2021. Collection method: clinical testing. Allele origin: germline. Affected: yes.
Comment: Identified in patients with cardiomyopathy referred for genetic testing at GeneDx and in published literature; however, some individuals had additional variants and/or further detailed clinical information was not provided (PMID: 19659763, 21302287, 27247418, 27532257, 28356264, 28408708, 32894683, 37821546, 38999502); In silico analyses support that this missense variant has a deleterious effect on protein structure/function and may impact gene splicing; in the absence of RNA/functional studies, the actual effect of this sequence change is unknown; This variant is associated with the following publications: (PMID: 33588347, 27532257, 26633542, 27247418, 21302287, 28790153, 28356264, 33495597, 32894683, 19659763, 32528171, 34542152, 36243179, 36129056, 35537032, 33495596, 37652022, 28408708, 37821546, 38999502)

PreventionGenetics, part of Exact Sciences
Classification: Uncertain significance for MYH7-related condition. Last evaluated: 2025-05-03. Review status: criteria provided, single submitter. Criteria: ACMG Guidelines, 2015. Collection method: clinical testing. Allele origin: germline.
Comment: The MYH7 c.4954G>T variant is predicted to result in the amino acid substitution p.Asp1652Tyr. This variant has primarily been reported in individuals with hypertrophic cardiomyopathy (see, for example, Frisso et al. 2009. PubMed ID: 19659763; Roncarati et al. 2011. PubMed ID: 21302287; Supplementary Table 2, Burns et al. 2017. PubMed ID: 28790153). In one family, it was detected in three individuals; however, only one individual had hypertrophic cardiomyopathy, while the others had dilated and restrictive cardiomyopathy (Frisso et al. 2009. PubMed ID: 19659763). It has also been detected in a cohort of individuals with unexplained limb-girdle weakness (Töpf et al. 2020. PubMed ID: 32528171) as well as in unaffected individuals (Table S6, Park et al. 2022. PubMed ID: 34542152). This variant is predicted to alter splicing based on available splicing prediction programs (SpliceAI, Jaganathan et al. 2019. PubMed ID: 30661751). However, the use of computer prediction programs is not equivalent to functional evidence. This variant is reported in 0.014% of alleles in individuals of Latino descent in gnomAD. At this time, the clinical significance of this variant is uncertain due to the absence of conclusive functional and genetic evidence.

Women's Health and Genetics/Laboratory Corporation of America, LabCorp
Classification: Uncertain significance. Last evaluated: 2024-09-12. Review status: criteria provided, single submitter. Criteria: LabCorp Variant Classification Summary - May 2015. Collection method: clinical testing. Allele origin: germline.
Comment: Variant summary: MYH7 c.4954G>T (p.Asp1652Tyr) results in a non-conservative amino acid change in the encoded protein sequence. Five of five in-silico tools predict a damaging effect of the variant on protein function. Several computational tools predict a significant impact on normal splicing: Three predict the variant weakens a 3' acceptor site. One predict the variant no significant impact on splicing. However, these predictions have yet to be confirmed by functional studies. The variant allele was found at a frequency of 4.8e-05 in 252126 control chromosomes. This frequency is not significantly higher than estimated for a pathogenic variant in MYH7 causing Hypertrophic Cardiomyopathy (4.8e-05 vs 0.001), allowing no conclusion about variant significance. c.4954G>T has been reported in the literature in individuals affected with Hypertrophic Cardiomyopathy (Frisso_2009, Roncarati_2011, Gomez_2017, Homburger_2016, Mori_2021). These data do not allow any conclusion about variant significance. To our knowledge, no experimental evidence demonstrating an impact on protein function has been reported. The following publications have been ascertained in the context of this evaluation (PMID: 19659763, 21302287, 28356264, 27247418, 33588347). ClinVar contains an entry for this variant (Variation ID: 43047). Based on the evidence outlined above, the variant was classified as uncertain significance.

Color Diagnostics, LLC DBA Color Health
Classification: Uncertain significance for Cardiomyopathy. Last evaluated: 2024-04-05. Review status: criteria provided, single submitter. Criteria: ACMG Guidelines, 2015. Collection method: clinical testing. Allele origin: germline.
Comment: This missense variant replaces aspartic acid with tyrosine at codon 1652 of the MYH7 protein. Computational prediction tools indicate that this variant has a deleterious impact on protein structure and function. To our knowledge, functional studies have not been reported for this variant. This variant has been reported in individuals affected with hypertrophic cardiomyopathy (PMID: 19659763, 21302287, 27247418, 27532257, 28356264, 28790153, 33588347, 33495596, 33495597, 37821546). This variant has also been identified in 12/251342 chromosomes in the general population by the Genome Aggregation Database (gnomAD). The available evidence is insufficient to determine the role of this variant in disease conclusively. Therefore, this variant is classified as a Variant of Uncertain Significance.

Blueprint Genetics
Classification: Likely benign. Last evaluated: 2023-09-19. Review status: criteria provided, single submitter. Criteria: ACMG Guidelines, 2015. Collection method: clinical testing. Allele origin: germline.

NM_000257.4(MYH7):c.4954G>T (p.Asp1652Tyr)

Genes: MHRT (myosin heavy chain associated RNA transcript; plus strand), MYH7 (myosin heavy chain 7; minus strand), LOC126861897 (BRD4-independent group 4 enhancer GRCh37_chr14:23884455-23885654; plus strand). Cytogenetic location: 14q11.2.
Variant type: single nucleotide variant.
Coding change: c.4954G>T on transcript NM_000257.4 (MANE Select); coding-DNA position 4954, G replaced by T.
Protein change: p.Asp1652Tyr; replaces aspartic acid 1652 with tyrosine.
Molecular consequence: missense variant.
Genome position (GRCh38, 1-based): chr14:23,415,832, C>A on the plus strand (G>T on the coding strand, the complement: MYH7 is on the minus strand). VCF-style: chr14-23415832-C-A. GRCh37 (hg19) VCF-style: chr14-23885041-C-A.
Other names: short protein forms D1652Y.
Identifiers: ClinVar variation 43047 (VCV000043047.46), dbSNP rs397516233, ClinGen allele CA015501.
Genomic context (GRCh38, chr14:23,415,832, plus strand): 5'-CGATGTTCTCCTTCAGGTCGTCGTTGGCACGGACTGCATCGTCCAGCTGAATCTGGGTGT[C>A]CTGAGGATCAGGAGAGTGGGCATGAGCAGGGAGCCAGCCTCGGTTCCCTTCACTAAAGGC-3'
Protein context (NP_000248.2, residues 1642-1662): QVKSLQSLLK[Asp1652Tyr]TQIQLDDAVR